The following continues an entry in ClinVar:

NM_007194.4(CHEK2):c.1270T>C (p.Tyr424His)

Gene: CHEK2. ClinVar aggregate classification (germline): Conflicting classifications of pathogenicity. Uncertain significance (20); Likely benign (3).

Submissions 5 to 24 of 29:

Molecular Diagnostics Laboratory, Catalan Institute of Oncology
Classification: Uncertain significance for Hereditary cancer-predisposing syndrome. Last evaluated: 2025-08-12. Review status: criteria provided, single submitter. Criteria: ACMG Guidelines, 2015. Collection method: clinical testing. Allele origin: germline.
Comment: PM1 c.1270T>C, located in exon 12 of the CHEK2 gene, is predicted to result in the substitution of tyrosine with histidine at codon 424, p.(Tyr424His). This variant affects a relevant functional domain (PM1). This variant is found in 71/267470 alleles at a frequency of 0.02% in the gnomAD v2.1.1 database, non-cancer dataset. In the Ashkenazi subpopulation, the frequency of this variant is 0.6%. The SpliceAI algorithm predicts no significant impact on splicing. The REVEL meta-predictor score for this variant (0.623) is indeterminate regarding the effect it may have on protein function, according to Pejaver's 2022 thresholds (PMID: 36413997). Functional studies (kinase activity in human cells) have shown that this variant has an intermediate effect on KAP1 phosphorylation and a neutral effect on autophosphorylation (PMID: 37449874). However, this variant throws discordant results in yeast-based DNA damage repair assays (PMID: 30851065, 18571837, 22419737). It has been reported in 5 out of 60466 breast cancer cases and 2 of the 53461 healthy controls in a case-control study (PMID: 33471991). This variant has been reported in multiple cancer-affected individuals or considered to be at high risk (PMID: 18571837, 218085035, 36315097, 31050813, 25186627, 25452441, 29596542, 31050813, 33471991, 2419737, and internal data). This variant has been reported in the ClinVar database (3x likely benign, 24x uncertain significance) and in LOVD (5x uncertain significance). Based on currently available information, the variant c.1270T>C should be considered an uncertain significance variant according to ACMG/AMP classification guidelines.

GeneDx
Classification: Uncertain significance. Last evaluated: 2025-07-10. Review status: criteria provided, single submitter. Criteria: GeneDx Variant Classification Process June 2021. Collection method: clinical testing. Allele origin: germline. Affected: yes.
Comment: In silico analysis supports that this missense variant has a deleterious effect on protein structure/function; This variant is associated with the following publications: (PMID: 19782031, 25186627, 29522266, 28779002, 32546565, 18571837, 22419737, 18085035, 25452441, 25117502, 30154229, 29596542, 30851065, 31050813, 31398194, 31256874, 31784482, 30374176, 33128190, 32866190, 26580448, 36315097, 33471991, 36360192, 36845387, 37449874, 35534704, 37842866, 34326862, 32885271, 39208550, 39642869, 39146382)

Center for Genomic Medicine, Rigshospitalet, Copenhagen University Hospital
Classification: Uncertain significance. Last evaluated: 2025-03-04. Review status: criteria provided, single submitter. Criteria: ACMG Guidelines, 2015. Collection method: clinical testing. Allele origin: germline.

Molecular Pathology, Peter Maccallum Cancer Centre
Classification: Uncertain significance for Familial cancer of breast. Last evaluated: 2024-11-22. Review status: criteria provided, single submitter. Criteria: ACMG Guidelines, 2015. Collection method: clinical testing. Allele origin: germline. Inheritance: Autosomal dominant inheritance.

Blueprint Genetics
Classification: Uncertain significance. Last evaluated: 2024-09-19. Review status: criteria provided, single submitter. Criteria: ACMG Guidelines, 2015. Collection method: clinical testing. Allele origin: germline.

German Consortium for Hereditary Breast and Ovarian Cancer, University Hospital Cologne
Classification: Uncertain significance for Hereditary breast ovarian cancer syndrome. Last evaluated: 2024-04-09. Review status: criteria provided, single submitter. Criteria: ACMG Guidelines, 2015. Collection method: curation. Allele origin: germline.
Comment: widersprüchliche funkt. Daten siehe Mail Lisa W. (Daten einfügen); According to the ACMG SVI adaptation criteria we chose this criterion: PS3 (supporting pathogenic): widersprüchliche funkt. Daten

Baylor Genetics
Classification: Uncertain significance for Familial cancer of breast. Last evaluated: 2024-03-27. Review status: criteria provided, single submitter. Criteria: ACMG Guidelines, 2015. Collection method: clinical testing. Allele origin: unknown.

Ambry Genetics
Classification: Uncertain significance for Hereditary cancer-predisposing syndrome. Last evaluated: 2024-03-19. Review status: criteria provided, single submitter. Criteria: Ambry Variant Classification Scheme 2023. Collection method: clinical testing. Allele origin: germline.
Comment: The p.Y424H variant (also known as c.1270T>C), located in coding exon 11 of the CHEK2 gene, results from a T to C substitution at nucleotide position 1270. The tyrosine at codon 424 is replaced by histidine, an amino acid with similar properties. This variant, which is present at a high frequency in the Ashkenazi Jewish sub-population, has been identified in several breast and prostate cancer families; however, it does not segregate completely with disease (Laitman Y et al. Isr. Med. Assoc. J. 2007 Nov;9:791-6; Tischkowitz MD et al. Cancer Lett. 2008 Oct;270:173-80; Roeb W et al. Hum. Mol. Genet. 2012 Jun;21:2738-44; Couch FJ et al. J. Clin. Oncol. 2015 Feb;33:304-11; Tung N et al. Cancer 2015 Jan;121(1):25-33; Lerner-Ellis J et al. J Cancer Res Clin Oncol, 2021 Mar;147:871-879; Dorling et al. N Engl J Med. 2021 02;384:428-439; Kirchner K et al. Genes (Basel), 2022 Oct;13). Yeast-based functional studies conflict about whether or not this variant is deleterious (Tischkowitz MD et al. Cancer Lett. 2008 Oct;270:173-80; Roeb W et al. Hum. Mol. Genet. 2012 Jun;21:2738-44; Delimitsou A et al. Hum Mutat. 2019 05;40:631-648). A functional assay employing a complementation assay in human nontransformed RPE1-CHEK2-knockout cells quantifying CHK2-specific phosphorylation of endogenous protein KAP1A demonstrated <25% CHK2 kinase activity (Kleiblova P et al. Int. J. Cancer 2019 10;145(7):1782-1797). A case-control study suggests that this variant is not associated with prostate cancer; however, the results were not statistically significant (Tischkowitz MD et al. Cancer Lett. 2008 Oct;270:173-80). This amino acid position is highly conserved in available vertebrate species. In addition, this alteration is predicted to be deleterious by in silico analysis. Based on the available evidence, the clinical significance of this alteration remains unclear.

Fulgent Genetics
Classification: Uncertain significance for Familial prostate cancer; Bone osteosarcoma; CHEK2-related cancer predisposition. Last evaluated: 2024-02-16. Review status: criteria provided, single submitter. Criteria: ACMG Guidelines, 2015. Collection method: clinical testing. Allele origin: germline.

Quest Diagnostics Nichols Institute San Juan Capistrano
Classification: Likely benign. Last evaluated: 2023-08-22. Review status: criteria provided, single submitter. Criteria: Quest Diagnostics criteria. Collection method: clinical testing. Allele origin: unknown.

Myriad Genetics, Inc.
Classification: Likely benign for Familial cancer of breast. Last evaluated: 2023-03-09. Review status: criteria provided, single submitter. Criteria: Myriad Autosomal Dominant, Autosomal Recessive and X-Linked Classification Criteria (2023). Collection method: clinical testing. Allele origin: unknown.
Comment: This variant is considered likely benign. This variant is strongly associated with less severe personal and family histories of cancer, typical for individuals without pathogenic variants in this gene [PMID: 25085752].

CHEO Genetics Diagnostic Laboratory, Children's Hospital of Eastern Ontario
Classification: Uncertain significance for Breast and/or ovarian cancer. Last evaluated: 2023-02-27. Review status: criteria provided, single submitter. Criteria: ACMG Guidelines, 2015. Collection method: clinical testing. Allele origin: germline.

Institute for Biomarker Research, Medical Diagnostic Laboratories, L.L.C.
Classification: Uncertain significance for Hereditary cancer-predisposing syndrome. Last evaluated: 2023-02-14. Review status: criteria provided, single submitter. Criteria: ACMG Guidelines, 2015. Collection method: clinical testing. Allele origin: germline.

Sema4
Classification: Uncertain significance for Hereditary cancer-predisposing syndrome. Last evaluated: 2022-02-03. Review status: criteria provided, single submitter. Criteria: Sema4 Curation Guidelines. Collection method: curation. Allele origin: germline.
Comment: The CHEK2 c.1270T>C (p.Y424H) variant has been reported in heterozygosity in numerous individuals with breast and prostate cancer, primarily of Ashkenazi Jewish ancestry (PMID: 18085035, 18571837, 22419737, 25117502, 25186627, 30374176, 31050813, 33471991). This variant fully co-segregated with prostate cancer in a family with 3 affected men, while the variant did not fully co-segregate with prostate cancer in additional families: affected men as well as unaffected men in at least 3 families where the variant was first detected in a proband, did not carry the variant (PMID: 18571837). In silico predictions of the variant's effect on protein function are inconclusive. Functional studies showed contradictory results (PMID: 31050813, 22419737, 30851065, 18571837). This variant was observed in 63/10344 chromosomes of the Ashkenazi Jewish subpopulation, with no homozygotes, in the large and broad cohorts of the Genome Aggregation Database (PMID: 32461654). The variant has been reported in ClinVar (Variation ID 128054). The overall evidence is insufficient to meet ACMG/AMP criteria for classifying it as benign or pathogenic. Thus, the clinical significance of this variant is currently uncertain.

Institute for Clinical Genetics, University Hospital TU Dresden, University Hospital TU Dresden
Classification: Uncertain significance. Last evaluated: 2021-11-03. Review status: criteria provided, single submitter. Criteria: ACMG Guidelines, 2015. Collection method: clinical testing. Allele origin: germline.

Genetic Services Laboratory, University of Chicago
Classification: Likely benign. Last evaluated: 2018-10-02. Review status: criteria provided, single submitter. Criteria: ACMG Guidelines, 2015. Collection method: clinical testing. Allele origin: germline. Affected: no.

Mendelics
Classification: Uncertain significance for Familial cancer of breast. Last evaluated: 2018-07-02. Review status: criteria provided, single submitter. Criteria: Mendelics Assertion Criteria 2017. Collection method: clinical testing. Allele origin: unknown.

Fulgent Genetics
Classification: Uncertain significance for Familial cancer of breast; Familial prostate cancer; Bone osteosarcoma; CHEK2-related cancer predisposition. Last evaluated: 2017-05-23. Review status: criteria provided, single submitter. Criteria: ACMG Guidelines, 2015. Collection method: clinical testing. Allele origin: unknown.

Illumina Laboratory Services, Illumina
Classification: Uncertain significance for CHEK2-Related Cancer Susceptibility. Last evaluated: 2017-04-27. Review status: criteria provided, single submitter. Criteria: ICSL Variant Classification Criteria 13 December 2019. Collection method: clinical testing. Allele origin: germline.

Counsyl
Classification: Uncertain significance for Familial cancer of breast. Last evaluated: 2017-07-18. Review status: no assertion criteria provided. Collection method: clinical testing. Allele origin: unknown. Not counted in ClinVar's aggregate classification.